The following is an entry in ClinVar:

NM_033056.4(PCDH15):c.4537_4556del (p.Phe1513fs)

Gene: PCDH15 (protocadherin related 15; minus strand). Cytogenetic location: 10q21.1.
Variant type: Deletion.
Coding change: c.4537_4556del on transcript NM_033056.4 (MANE Plus Clinical); coding-DNA positions 4537 to 4556, 20 bases deleted (TTCACATTTCTATCTGATGA).
Protein change: p.Phe1513fs; shifts the reading frame from phenylalanine 1513.
Molecular consequence: frameshift variant. On other transcripts: intron variant (8).
Genome position (GRCh38, 1-based): chr10:53,823,170-53,823,189, TCATCAGATAGAAATGTGAA deleted on the plus strand (TTCACATTTCTATCTGATGA on the coding strand, the reverse complement: PCDH15 is on the minus strand); deleting any 20 consecutive bases within chr10:53,823,170-53,823,190 gives the same sequence; the c. name uses the placement nearest the transcript's 3' end. VCF-style (leftmost placement, unchanged base first): chr10-53823169-CTCATCAGATAGAAATGTGAA-C. GRCh37 (hg19) VCF-style: chr10-55582929-CTCATCAGATAGAAATGTGAA-C.
Other names: c.4558_4577del, p.Phe1520fs (NM_001142763.2); c.4543_4562del, p.Phe1515fs (NM_001142764.2); c.4330_4349del, p.Phe1444fs (NM_001142765.2); c.4528_4547del, p.Phe1510fs (NM_001142766.2); c.4417_4436del, p.Phe1473fs (NM_001142767.2); c.4477_4496del, p.Phe1493fs (NM_001142768.2); c.4367+4204_4367+4223del (NM_001354429.2, NM_001354420.2); c.4368-2959_4368-2940del (NM_001384140.1); and 6 more; short protein forms F1510fs, F1513fs, F1490fs, F1515fs, F1491fs, F1520fs, F1444fs, F1473fs.
Identifiers: ClinVar variation 5004448 (VCV005004448.1).
Genomic context (GRCh38, chr10:53,823,169, plus strand): 5'-ATTTGTTGATACTTGACTTATGTTTTCCTTATAAAGGGGATTATGGGCACTTAAGTCATC[CTCATCAGATAGAAATGTGAA>C]TTTTCTTGCAGACTTCAGTTTGTTGCTCTTAAGTGATCCGTCTACATGAGCTGACTTGTG-3'

ClinVar aggregate classification (germline): Uncertain significance (1 of 4 stars; one submission).

Conditions:
Usher syndrome type 1F (USH1F). Also called: USHER SYNDROME, TYPE IF. Identifiers: Orphanet 231169, Orphanet 886, MedGen C1865885, MONDO:0011186, OMIM 602083.

Submission:

Myriad Genetics, Inc.
Classification: Uncertain significance for Usher syndrome type 1F. Last evaluated: 2026-02-06. Review status: criteria provided, single submitter. Criteria: Myriad Autosomal Dominant, Autosomal Recessive and X-Linked Classification Criteria (2023). Collection method: clinical testing. Allele origin: unknown.
Comment: NM_033056.3(PCDH15):c.4537_4556del20(F1513Gfs*2) is a frameshift variant classified as a variant of uncertain significance in the context of PCDH15-related disorders. F1513Gfs*2 has not been observed in cases with relevant disease. Relevant functional assessments of this variant are not available in the literature. F1513Gfs*2 has not been observed in referenced population frequency databases. In summary, there is insufficient evidence to classify NM_033056.3(PCDH15):c.4537_4556del20(F1513Gfs*2) as pathogenic or benign. Please note: this variant was assessed in the context of healthy population screening.